The following is an entry in ClinVar:

NM_022463.5(NXN):c.206G>T (p.Gly69Val)

Gene: NXN (nucleoredoxin; minus strand). Cytogenetic location: 17p13.3.
Variant type: single nucleotide variant.
Coding change: c.206G>T on transcript NM_022463.5 (MANE Select); coding-DNA position 206, G replaced by T.
Protein change: p.Gly69Val; replaces glycine 69 with valine.
Molecular consequence: missense variant.
Genome position (GRCh38, 1-based): chr17:979,473, C>A on the plus strand (G>T on the coding strand, the complement: NXN is on the minus strand). VCF-style: chr17-979473-C-A. GRCh37 (hg19) VCF-style: chr17-882713-C-A.
Other names: short protein forms G69V.
Identifiers: ClinVar variation 1353619 (VCV001353619.6), dbSNP rs1053115345, ClinGen allele CA286729034.

ClinVar aggregate classification (germline): Uncertain significance (1 of 4 stars; one submission).

Allele frequency attached by ClinVar (database versions not stated): TOPMed 0.00001.
gnomAD v4.1: 4 of 1,192,298 alleles (0.00034%); highest among the groups gnomAD compares: East Asian, 0.0075%; no homozygotes.

Submission:

Labcorp Genetics (formerly Invitae), Labcorp
Classification: Uncertain significance. Last evaluated: 2022-03-08. Review status: criteria provided, single submitter. Criteria: Invitae Variant Classification Sherloc (09022015). Collection method: clinical testing. Allele origin: germline.
Comment: In summary, the available evidence is currently insufficient to determine the role of this variant in disease. Therefore, it has been classified as a Variant of Uncertain Significance. Algorithms developed to predict the effect of sequence changes on RNA splicing suggest that this variant may create or strengthen a splice site. Algorithms developed to predict the effect of missense changes on protein structure and function (SIFT, PolyPhen-2, Align-GVGD) all suggest that this variant is likely to be tolerated. This variant has not been reported in the literature in individuals affected with NXN-related conditions. This variant is not present in population databases (gnomAD no frequency). This sequence change replaces glycine, which is neutral and non-polar, with valine, which is neutral and non-polar, at codon 69 of the NXN protein (p.Gly69Val).